The following is an entry in ClinVar:

NM_025137.4(SPG11):c.2212A>G (p.Ile738Val)

Gene: SPG11 (SPG11 vesicle trafficking associated, spatacsin; minus strand). Cytogenetic location: 15q21.1.
Variant type: single nucleotide variant.
Coding change: c.2212A>G on transcript NM_025137.4 (MANE Select); coding-DNA position 2212, A replaced by G.
Protein change: p.Ile738Val; replaces isoleucine 738 with valine.
Molecular consequence: missense variant.
Genome position (GRCh38, 1-based): chr15:44,626,363, T>C on the plus strand (A>G on the coding strand, the complement: SPG11 is on the minus strand). VCF-style: chr15-44626363-T-C. GRCh37 (hg19) VCF-style: chr15-44918561-T-C.
Other names: c.2212A>G, p.Ile738Val (NM_001160227.2); c.2212A>G (NM_025137.3); short protein forms I738V.
Identifiers: ClinVar variation 1063584 (VCV001063584.5), dbSNP rs746226262, ClinGen allele CA7535325.

ClinVar aggregate classification (germline): Uncertain significance. Review status: criteria provided, multiple submitters, no conflicts (2 of 4 stars). 2 submissions from 2 submitters: Uncertain significance (2). Last evaluated 2025-08-08.

Conditions:
Inborn genetic diseases. Identifiers: MedGen C0950123, MeSH D030342.
Hereditary spastic paraplegia 11. Also called: Nakamura Osame syndrome; Autosomal recessive hereditary spastic paraplegia, mental impairment, and thin corpus callosum; Spastic paraplegia, mental retardation and thin corpus callosum; SPASTIC PARAPLEGIA, AUTOSOMAL RECESSIVE, COMPLICATED, WITH THIN CORPUS CALLOSUM; SPASTIC PARAPLEGIA, AUTOSOMAL RECESSIVE, WITH MENTAL IMPAIRMENT AND THIN CORPUS CALLOSUM; Spastic Paraplegia 11. Identifiers: Orphanet 2822, MedGen C1858479, MONDO:0011445, OMIM 604360.

Allele frequency attached by ClinVar (database versions not stated): gnomAD exomes 0.00001; ExAC 0.00002; gnomAD 0.00005 and 0.00006; TOPMed 0.00007.
gnomAD v4.1: 13 of 1,613,228 alleles (0.00081%); highest among the groups gnomAD compares: African/African-American, 0.013%; no homozygotes.

Submissions (2):

Ambry Genetics
Classification: Uncertain significance for Inborn genetic diseases. Last evaluated: 2025-08-08. Review status: criteria provided, single submitter. Criteria: Ambry Variant Classification Scheme 2023. Collection method: clinical testing. Allele origin: germline.

Labcorp Genetics (formerly Invitae), Labcorp
Classification: Uncertain significance for Hereditary spastic paraplegia 11. Last evaluated: 2022-07-05. Review status: criteria provided, single submitter. Criteria: Invitae Variant Classification Sherloc (09022015). Collection method: clinical testing. Allele origin: germline.
Comment: This sequence change replaces isoleucine, which is neutral and non-polar, with valine, which is neutral and non-polar, at codon 738 of the SPG11 protein (p.Ile738Val). This variant is present in population databases (rs746226262, gnomAD 0.01%). This variant has not been reported in the literature in individuals affected with SPG11-related conditions. ClinVar contains an entry for this variant (Variation ID: 1063584). Algorithms developed to predict the effect of missense changes on protein structure and function output the following: SIFT: "Tolerated"; PolyPhen-2: "Benign"; Align-GVGD: "Class C0". The valine amino acid residue is found in multiple mammalian species, which suggests that this missense change does not adversely affect protein function. Algorithms developed to predict the effect of sequence changes on RNA splicing suggest that this variant may create or strengthen a splice site. In summary, the available evidence is currently insufficient to determine the role of this variant in disease. Therefore, it has been classified as a Variant of Uncertain Significance.